The following is an entry in ClinVar:

NM_003680.4(YARS1):c.63T>C (p.Val21=)

Gene: YARS1 (tyrosyl-tRNA synthetase 1; minus strand). Cytogenetic location: 1p35.1.
Variant type: single nucleotide variant.
Coding change: c.63T>C on transcript NM_003680.4 (MANE Select); coding-DNA position 63, T replaced by C.
Protein change: p.Val21=; no amino-acid change (valine 21 retained).
Molecular consequence: synonymous variant.
Genome position (GRCh38, 1-based): chr1:32,811,052, A>G on the plus strand (T>C on the coding strand, the complement: YARS1 is on the minus strand). VCF-style: chr1-32811052-A-G. GRCh37 (hg19) VCF-style: chr1-33276653-A-G.
Identifiers: ClinVar variation 239549 (VCV000239549.16), dbSNP rs138749370, ClinGen allele CA745289.

ClinVar aggregate classification (germline): Likely benign. Review status: criteria provided, multiple submitters, no conflicts (2 of 4 stars). 6 submissions from 6 submitters: Likely benign (6). Last evaluated 2026-05-16.

Conditions:
YARS1-related disorder. Also called: YARS1-related condition.
Inborn genetic diseases. Identifiers: MedGen C0950123, MeSH D030342.
Charcot-Marie-Tooth disease dominant intermediate C (CMTDIC). Also called: CHARCOT-MARIE-TOOTH NEUROPATHY, DOMINANT INTERMEDIATE C. Identifiers: Orphanet 100045, MedGen C1842237, MONDO:0012012, OMIM 608323.

Allele frequency attached by ClinVar (database versions not stated): TOPMed 0.00009; gnomAD 0.00012; 1000 Genomes Project 30x 0.00016; gnomAD exomes 0.00019; 1000 Genomes Project 0.00020; ESP Exome Variant Server 0.00023; ExAC 0.00024.

Submissions (6):

PreventionGenetics, part of Exact Sciences
Classification: Likely benign for YARS1-related condition. Last evaluated: 2026-05-16. Review status: criteria provided, single submitter. Criteria: ACMG Guidelines, 2015. Collection method: clinical testing. Allele origin: germline.
Comment: This variant is classified as likely benign based on ACMG/AMP sequence variant interpretation guidelines (Richards et al. 2015 PMID: 25741868, with internal and published modifications).

Labcorp Genetics (formerly Invitae), Labcorp
Classification: Likely benign for Charcot-Marie-Tooth disease dominant intermediate C. Last evaluated: 2025-11-20. Review status: criteria provided, single submitter. Criteria: Invitae Variant Classification Sherloc (09022015). Collection method: clinical testing. Allele origin: germline.

Athena Diagnostics
Classification: Likely benign. Last evaluated: 2024-09-30. Review status: criteria provided, single submitter. Criteria: Athena Diagnostics Criteria. Collection method: clinical testing. Allele origin: unknown.

Blueprint Genetics
Classification: Likely benign. Last evaluated: 2024-05-14. Review status: criteria provided, single submitter. Criteria: ACMG Guidelines, 2015. Collection method: clinical testing. Allele origin: germline.

Ambry Genetics
Classification: Likely benign for Inborn genetic diseases. Last evaluated: 2019-07-11. Review status: criteria provided, single submitter. Criteria: Ambry Variant Classification Scheme 2023. Collection method: clinical testing. Allele origin: germline.

GeneDx
Classification: Likely benign. Last evaluated: 2017-06-26. Review status: criteria provided, single submitter. Criteria: GeneDx Variant Classification (06012015). Collection method: clinical testing. Allele origin: germline. Affected: yes.
Comment: This variant is considered likely benign or benign based on one or more of the following criteria: it is a conservative change, it occurs at a poorly conserved position in the protein, it is predicted to be benign by multiple in silico algorithms, and/or has population frequency not consistent with disease.